The following is an entry in ClinVar:

NM_001127222.2(CACNA1A):c.979-3C>G

Genes: CACNA1A (calcium voltage-gated channel subunit alpha1 A; minus strand), LOC126862866 (MED14-independent group 3 enhancer GRCh37_chr19:13445719-13446918; plus strand). Cytogenetic location: 19p13.13.
Variant type: single nucleotide variant.
Coding change: c.979-3C>G on transcript NM_001127222.2 (MANE Select); 3 bases into the intron before coding-DNA position 979, C replaced by G.
Molecular consequence: intron variant.
Genome position (GRCh38, 1-based): chr19:13,335,912, G>C on the plus strand (C>G on the coding strand, the complement: CACNA1A is on the minus strand). VCF-style: chr19-13335912-G-C. GRCh37 (hg19) VCF-style: chr19-13446726-G-C.
Other names: c.979-3C>G (NM_001127221.2, NM_001174080.2, NM_000068.4 and 1 more transcripts).
Identifiers: ClinVar variation 1805897 (VCV001805897.1), dbSNP rs2513056211, ClinGen allele CA923726157.

ClinVar aggregate classification (germline): Uncertain significance (1 of 4 stars; one submission).

Conditions:
Episodic ataxia type 2 (EA2). Also called: CEREBELLAR ATAXIA, PAROXYSMAL, ACETAZOLAMIDE-RESPONSIVE; CEREBELLOPATHY, HEREDITARY PAROXYSMAL; ACETAZOLAMIDE-RESPONSIVE HEREDITARY PAROXYSMAL CEREBELLAR ATAXIA; ATAXIA, EPISODIC, WITH NYSTAGMUS; ATAXIA, FAMILIAL PAROXYSMAL; EPISODIC ATAXIA, NYSTAGMUS-ASSOCIATED. Identifiers: Orphanet 97, MedGen C1720416, MONDO:0007163, OMIM 108500.

Submission:

Victorian Clinical Genetics Services, Murdoch Childrens Research Institute
Classification: Uncertain significance for Episodic ataxia type 2. Last evaluated: 2021-05-06. Review status: criteria provided, single submitter. Criteria: ACMG Guidelines, 2015. Collection method: clinical testing. Allele origin: germline. Inheritance: Autosomal dominant inheritance. Affected: yes.
Comment: Based on the classification scheme VCGS_Germline_v1.3.4, this variant is classified as VUS-3A. Following criteria are met: 0103 - Loss of function and gain of function are known mechanisms of disease in this gene and are associated with CACNA1A-related disease. Episodic ataxia, type 2 (MIM#108500) is caused by variants with a loss of function mechanism (PMID: 28566750). (I) 0107 - This gene is associated with autosomal dominant disease. (I) 0112 - The condition associated with this gene has incomplete penetrance. Reduced penetrance has been reported for patients with episodic ataxia, type 2 (OMIM). (I) 0115 - Variants in this gene are known to have variable expressivity. Two families with episodic ataxia, intellectual disability and/or epilepsy have been reported with intrafamilial variability (PMID: 32910250, PMID: 30142438). (I) 0212 - Non-canonical splice site variant without proven consequence on splicing (no functional evidence available). (SP) 0251 - Variant is heterozygous. (I) 0301 - Variant is absent from gnomAD (both v2 and v3). (SP) 0505 - Abnormal splicing is predicted by in silico tools and affected nucleotide is highly conserved. (SP) 0705 - No comparable splice variants have previous evidence for pathogenicity. (I) 0807 - This variant has no previous evidence of pathogenicity. (I) 0905 - No published segregation evidence has been identified for this variant. (I) 1007 - No published functional evidence has been identified for this variant. (I) Legend: (SP) - Supporting pathogenic, (I) - Information, (SB) - Supporting benign

Literature cited by the submitters: PubMed 28566750; PubMed 30142438; PubMed 32910250.